The following is an entry in ClinVar:

ClinVar aggregate classification (germline): Likely pathogenic (1 of 4 stars; one submission).

Conditions:
Fetal anomalies with a likely genetic cause.

Submission:

Genetics Laboratory, Great Ormond Street Hospital NHS Foundation Trust, North Thames Genomic Laboratory Hub
Classification: Likely pathogenic for Fetal anomalies with a likely genetic cause. Last evaluated: 2026-09-25. Review status: criteria provided, single submitter. Criteria: ACGS Best Practice Guidelines for Variant Classification in Rare Disease 2024 v1.2. Collection method: clinical testing. Allele origin: germline. Affected: yes.
Comment: PM2_moderate, PVS1_strong

NM_001099409.3(EHBP1L1):c.988del (p.Ala330fs)

Gene: EHBP1L1 (EH domain binding protein 1 like 1; plus strand). Cytogenetic location: 11q13.1.
Variant type: Deletion.
Coding change: c.988del on transcript NM_001099409.3 (MANE Select); coding-DNA position 988, one base deleted (G; older notation c.988delG).
Protein change: p.Ala330fs; shifts the reading frame from alanine 330.
Molecular consequence: frameshift variant. On other transcripts: intron variant (1).
Genome position (GRCh38, 1-based): chr11:65,581,660, G deleted; the last of 4 consecutive G bases (chr11:65,581,657-65,581,660); deleting any one gives the same sequence. VCF-style (leftmost placement, unchanged base first): chr11-65581656-AG-A. GRCh37 (hg19) VCF-style: chr11-65349127-AG-A.
Other names: c.819+334del (NM_001351087.2); short protein forms A330fs.
Identifiers: ClinVar variation 5043509 (VCV005043509.1).